The following is an entry in ClinVar:

ClinVar aggregate classification (germline): Uncertain significance (1 of 4 stars; one submission).

Submission:

GeneDx
Classification: Uncertain significance. Last evaluated: 2024-02-06. Review status: criteria provided, single submitter. Criteria: GeneDx Variant Classification Process June 2021. Collection method: clinical testing. Allele origin: germline. Affected: yes.
Comment: Not observed at significant frequency in large population cohorts (gnomAD); In silico analysis supports that this missense variant has a deleterious effect on protein structure/function; Has not been previously published as pathogenic or benign to our knowledge

NM_003611.3(OFD1):c.641A>T (p.Glu214Val)

Gene: OFD1 (OFD1 centriole and centriolar satellite protein; plus strand). Cytogenetic location: Xp22.2.
Variant type: single nucleotide variant.
Coding change: c.641A>T on transcript NM_003611.3 (MANE Select); coding-DNA position 641, A replaced by T.
Protein change: p.Glu214Val; replaces glutamic acid 214 with valine.
Molecular consequence: missense variant.
Genome position (GRCh38, 1-based): chrX:13,746,442, A>T. VCF-style: chrX-13746442-A-T. GRCh37 (hg19) VCF-style: chrX-13764561-A-T.
Other names: c.641A>T, p.Glu214Val (NM_001330209.2); c.221A>T, p.Glu74Val (NM_001330210.2); short protein forms E214V, E74V.
Identifiers: ClinVar variation 3368968 (VCV003368968.1).